The following is an entry in ClinVar:

NM_199420.4(POLQ):c.5585T>C (p.Leu1862Ser)

Gene: POLQ (DNA polymerase theta; minus strand). Cytogenetic location: 3q13.33.
Variant type: single nucleotide variant.
Coding change: c.5585T>C on transcript NM_199420.4 (MANE Select); coding-DNA position 5585, T replaced by C.
Protein change: p.Leu1862Ser; replaces leucine 1862 with serine.
Molecular consequence: missense variant.
Genome position (GRCh38, 1-based): chr3:121,487,346, A>G on the plus strand (T>C on the coding strand, the complement: POLQ is on the minus strand). VCF-style: chr3-121487346-A-G. GRCh37 (hg19) VCF-style: chr3-121206193-A-G.
Other names: short protein forms L1862S.
Identifiers: ClinVar variation 3308496 (VCV003308496.1).

ClinVar aggregate classification (germline): Uncertain significance (1 of 4 stars; one submission).

gnomAD v4.1: 2 of 1,610,304 alleles (0.00012%); highest among the groups gnomAD compares: Non-Finnish European, 0.00017%; no homozygotes.

Submission:

Ambry Genetics
Classification: Uncertain significance. Last evaluated: 2024-03-27. Review status: criteria provided, single submitter. Criteria: Ambry Variant Classification Scheme 2023. Collection method: clinical testing. Allele origin: germline.
Comment: The p.L1862S variant (also known as c.5585T>C), located in coding exon 16 of the POLQ gene, results from a T to C substitution at nucleotide position 5585. The leucine at codon 1862 is replaced by serine, an amino acid with dissimilar properties. This amino acid position is conserved. In addition, this alteration is predicted to be tolerated by in silico analysis. Based on the available evidence, the clinical significance of this alteration remains unclear.